The following is an entry in ClinVar:

ClinVar aggregate classification (germline): Uncertain significance (1 of 4 stars; one submission).

gnomAD v4.1: 2 of 1,377,880 alleles (0.00015%); highest among the groups gnomAD compares: African/African-American, 0.003%; no homozygotes.

Submission:

GeneDx
Classification: Uncertain significance. Last evaluated: 2025-04-23. Review status: criteria provided, single submitter. Criteria: GeneDx Variant Classification Process June 2021. Collection method: clinical testing. Allele origin: germline. Affected: yes.
Comment: Not observed at significant frequency in large population cohorts (gnomAD); In silico analysis indicates that this missense variant does not alter protein structure/function; Has not been previously published as pathogenic or benign to our knowledge

NM_016604.4(KDM3B):c.77C>A (p.Ala26Asp)

Genes: KDM3B (lysine demethylase 3B; plus strand), LOC129994737 (ATAC-STARR-seq lymphoblastoid silent region 16394; plus strand). Cytogenetic location: 5q31.2.
Variant type: single nucleotide variant.
Coding change: c.77C>A on transcript NM_016604.4 (MANE Select); coding-DNA position 77, C replaced by A.
Protein change: p.Ala26Asp; replaces alanine 26 with aspartic acid.
Molecular consequence: missense variant.
Genome position (GRCh38, 1-based): chr5:138,352,872, C>A. VCF-style: chr5-138352872-C-A. GRCh37 (hg19) VCF-style: chr5-137688561-C-A.
Other names: short protein forms A26D.
Identifiers: ClinVar variation 4527623 (VCV004527623.1).